The following is an entry in ClinVar:

ClinVar aggregate classification (germline): Uncertain significance. Review status: criteria provided, multiple submitters, no conflicts (2 of 4 stars). 2 submissions from 2 submitters: Uncertain significance (2). Last evaluated 2022-02-20.

Conditions:
Inborn genetic diseases. Identifiers: MedGen C0950123, MeSH D030342.

Allele frequency attached by ClinVar (database versions not stated): TOPMed 0.00002.
gnomAD v4.1: 5 of 1,610,366 alleles (0.00031%); highest among the groups gnomAD compares: Admixed American, 0.005%; no homozygotes.

Submissions (2):

Labcorp Genetics (formerly Invitae), Labcorp
Classification: Uncertain significance. Last evaluated: 2022-02-20. Review status: criteria provided, single submitter. Criteria: Invitae Variant Classification Sherloc (09022015). Collection method: clinical testing. Allele origin: germline.
Comment: Algorithms developed to predict the effect of missense changes on protein structure and function (SIFT, PolyPhen-2, Align-GVGD) all suggest that this variant is likely to be tolerated. ClinVar contains an entry for this variant (Variation ID: 986029). This variant has not been reported in the literature in individuals affected with AIMP2-related conditions. This variant is present in population databases (no rsID available, gnomAD 0.006%). This sequence change replaces asparagine, which is neutral and polar, with lysine, which is basic and polar, at codon 29 of the AIMP2 protein (p.Asn29Lys). In summary, the available evidence is currently insufficient to determine the role of this variant in disease. Therefore, it has been classified as a Variant of Uncertain Significance.

Ambry Genetics
Classification: Uncertain significance for Inborn genetic diseases. Last evaluated: 2017-12-14. Review status: criteria provided, single submitter. Criteria: Ambry exome assertion method (8-5-2015). Collection method: clinical testing. Allele origin: germline. Affected: yes. Observed: 1 variant allele.

NM_006303.4(AIMP2):c.87C>G (p.Asn29Lys)

Gene: AIMP2 (aminoacyl tRNA synthetase complex interacting multifunctional protein 2; plus strand). Cytogenetic location: 7p22.1.
Variant type: single nucleotide variant.
Coding change: c.87C>G on transcript NM_006303.4 (MANE Select); coding-DNA position 87, C replaced by G.
Protein change: p.Asn29Lys; replaces asparagine 29 with lysine.
Molecular consequence: missense variant. On other transcripts: 5 prime UTR variant (1), intron variant (3).
Genome position (GRCh38, 1-based): chr7:6,009,450, C>G. VCF-style: chr7-6009450-C-G. GRCh37 (hg19) VCF-style: chr7-6049081-C-G.
Other names: c.87C>G, p.Asn29Lys (NM_001326607.2); c.-234C>G (NM_001326609.2); c.-238+72C>G (NM_001326611.3); c.-251+72C>G (NM_001326610.2); c.15+72C>G (NM_001326606.2); short protein forms N29K.
Identifiers: ClinVar variation 986029 (VCV000986029.7), dbSNP rs780037791, ClinGen allele CA153253170.